The following is an entry in ClinVar:

ClinVar aggregate classification (germline): Uncertain significance. Review status: criteria provided, multiple submitters, no conflicts (2 of 4 stars). 2 submissions from 2 submitters: Uncertain significance (2). Last evaluated 2026-01-16.

Allele frequency attached by ClinVar (database versions not stated): gnomAD exomes below 0.00001 and 0.00001; TOPMed 0.00002; gnomAD 0.00003 and 0.00004.
gnomAD v4.1: 8 of 1,614,144 alleles (0.0005%); highest among the groups gnomAD compares: African/African-American, 0.011%; no homozygotes.

Submissions (2):

Labcorp Genetics (formerly Invitae), Labcorp
Classification: Uncertain significance. Last evaluated: 2026-01-16. Review status: criteria provided, single submitter. Criteria: Invitae Variant Classification Sherloc (09022015). Collection method: clinical testing. Allele origin: germline.
Comment: This sequence change replaces glutamic acid, which is acidic and polar, with lysine, which is basic and polar, at codon 2166 of the CEP250 protein (p.Glu2166Lys). This variant is present in population databases (no rsID available, gnomAD 0.01%). This variant has not been reported in the literature in individuals affected with CEP250-related conditions. ClinVar contains an entry for this variant (Variation ID: 1511692). An algorithm developed to predict the effect of missense changes on protein structure and function (PolyPhen-2) suggests that this variant is likely to be disruptive. In summary, the available evidence is currently insufficient to determine the role of this variant in disease. Therefore, it has been classified as a Variant of Uncertain Significance.

Blueprint Genetics
Classification: Uncertain significance. Last evaluated: 2022-07-29. Review status: criteria provided, single submitter. Criteria: ACMG Guidelines, 2015. Collection method: clinical testing. Allele origin: germline.

NM_007186.6(CEP250):c.6496G>A (p.Glu2166Lys)

Gene: CEP250 (centrosomal protein 250; plus strand). Cytogenetic location: 20q11.22.
Variant type: single nucleotide variant.
Coding change: c.6496G>A on transcript NM_007186.6 (MANE Select); coding-DNA position 6496, G replaced by A.
Protein change: p.Glu2166Lys; replaces glutamic acid 2166 with lysine.
Molecular consequence: missense variant.
Genome position (GRCh38, 1-based): chr20:35,504,865, G>A. VCF-style: chr20-35504865-G-A. GRCh37 (hg19) VCF-style: chr20-34092693-G-A.
Other names: c.4600G>A, p.Glu1534Lys (NM_001318219.1); short protein forms E2166K, E1534K.
Identifiers: ClinVar variation 1511692 (VCV001511692.7), dbSNP rs959584807, ClinGen allele CA314161909.